The following is an entry in ClinVar:

NM_001963.6(EGF):c.3251C>G (p.Ala1084Gly)

Gene: EGF (epidermal growth factor; plus strand). Cytogenetic location: 4q25.
Variant type: single nucleotide variant.
Coding change: c.3251C>G on transcript NM_001963.6 (MANE Select); coding-DNA position 3251, C replaced by G.
Protein change: p.Ala1084Gly; replaces alanine 1084 with glycine.
Molecular consequence: missense variant.
Genome position (GRCh38, 1-based): chr4:110,004,582, C>G. VCF-style: chr4-110004582-C-G. GRCh37 (hg19) VCF-style: chr4-110925738-C-G.
Other names: p.Ala1084Gly; c.3128C>G, p.Ala1043Gly (NM_001178130.3); c.3125C>G, p.Ala1042Gly (NM_001178131.3); c.2882C>G, p.Ala961Gly (NM_001357021.2); short protein forms A1084G, A1042G, A1043G, A961G.
Identifiers: ClinVar variation 787277 (VCV000787277.14), dbSNP rs11569111, ClinGen allele CA3044222.
Genomic context (GRCh38, chr4:110,004,582, plus strand): 5'-CGAAAAACCCAAAGAATCCTTATGAGGAGTCGAGCAGAGATGTGAGGAGTCGCAGGCCTG[C>G]TGACACTGAGGATGGGATGTCCTCTTGCCCTCAACCTTGGGTAATGTGACCAAAGCAGAT-3'
Protein context (NP_001954.2, residues 1074-1094): SSRDVRSRRP[Ala1084Gly]DTEDGMSSCP

ClinVar aggregate classification (germline): Benign/Likely benign. Review status: criteria provided, multiple submitters, no conflicts (2 of 4 stars). 3 submissions from 3 submitters: Benign (2); Likely benign (1). Last evaluated 2026-01-01.

Conditions:
Renal hypomagnesemia 4. Also called: HYPOMAGNESEMIA, RENAL, NORMOCALCIURIC. Identifiers: Orphanet 34527, MedGen C2673648, MONDO:0012717, OMIM 611718.

Allele frequency attached by ClinVar (database versions not stated): gnomAD exomes 0.00103; ExAC 0.00134; 1000 Genomes Project 0.00399; gnomAD 0.00414; 1000 Genomes Project 30x 0.00437; ESP Exome Variant Server 0.00469; TOPMed 0.00542.
gnomAD v4.1: 1,305 of 1,613,968 alleles (0.081%); highest among the groups gnomAD compares: African/African-American, 1.5%; 8 homozygotes.

Submissions (6):

Labcorp Genetics (formerly Invitae), Labcorp
Classification: Benign. Last evaluated: 2026-01-01. Review status: criteria provided, single submitter. Criteria: Invitae Variant Classification Sherloc (09022015). Collection method: clinical testing. Allele origin: germline.

Mayo Clinic Laboratories, Mayo Clinic
Classification: Likely benign. Last evaluated: 2025-03-27. Review status: criteria provided, single submitter. Criteria: ACMG Guidelines, 2015. Collection method: clinical testing. Allele origin: germline. Observed: 1 variant allele.
Comment: BS1, BP4_moderate

Illumina Laboratory Services, Illumina
Classification: Benign for Renal hypomagnesemia 4. Last evaluated: 2017-04-27. Review status: criteria provided, single submitter. Criteria: ICSL Variant Classification Criteria 13 December 2019. Collection method: clinical testing. Allele origin: germline.
Comment: This variant was observed as part of a predisposition screen in an ostensibly healthy population. A literature search was performed for the gene, cDNA change, and amino acid change (where applicable). No publications were found based on this search. Allele frequency data from public databases was too high to be consistent with this variant causing disease. Therefore, this variant is classified as benign.

Dr. Peter K. Rogan Lab, Western University
No classification provided (evidence only). Condition: Lung cancer. Review status: no classification provided. Collection method: in vitro. Allele origin: not applicable. Functional consequence: retained intron. Not counted in ClinVar's aggregate classification.

Dr. Peter K. Rogan Lab, Western University
No classification provided (evidence only). Condition: Thyroid cancer, nonmedullary, 1. Review status: no classification provided. Collection method: in vitro. Allele origin: not applicable. Functional consequence: retained intron. Not counted in ClinVar's aggregate classification.

Dr. Peter K. Rogan Lab, Western University
No classification provided (evidence only). Condition: Thymoma. Review status: no classification provided. Collection method: in vitro. Allele origin: not applicable. Functional consequence: retained intron. Not counted in ClinVar's aggregate classification.